The following is an entry in ClinVar:

ClinVar aggregate classification (germline): Uncertain significance. Review status: criteria provided, multiple submitters, no conflicts (2 of 4 stars). 2 submissions from 2 submitters: Uncertain significance (2). Last evaluated 2026-02-02.

Conditions:
Fanconi anemia (FA). Also called: Fanconi's anemia. Identifiers: Orphanet 84, MedGen C0015625, MeSH D005199, MONDO:0019391.
Fanconi anemia complementation group A (FANCA). Also called: FANCA-Related Fanconi Anemia; Fanconi anemia, group A. Identifiers: Orphanet 84, MedGen C3469521, MONDO:0009215, OMIM 227650.

gnomAD v4.1: 4 of 1,613,934 alleles (0.00025%); highest among the groups gnomAD compares: South Asian, 0.0011%; no homozygotes.

Submissions (2):

Labcorp Genetics (formerly Invitae), Labcorp
Classification: Uncertain significance for Fanconi anemia. Last evaluated: 2026-02-02. Review status: criteria provided, single submitter. Criteria: Invitae Variant Classification Sherloc (09022015). Collection method: clinical testing. Allele origin: germline.
Comment: This sequence change replaces histidine, which is basic and polar, with tyrosine, which is neutral and polar, at codon 934 of the FANCA protein (p.His934Tyr). This variant is present in population databases (no rsID available, gnomAD no frequency). This variant has not been reported in the literature in individuals affected with FANCA-related conditions. ClinVar contains an entry for this variant (Variation ID: 3581491). Invitae Evidence Modeling of protein sequence and biophysical properties (such as structural, functional, and spatial information, amino acid conservation, physicochemical variation, residue mobility, and thermodynamic stability) indicates that this missense variant is not expected to disrupt FANCA protein function with a negative predictive value of 95%. In summary, the available evidence is currently insufficient to determine the role of this variant in disease. Therefore, it has been classified as a Variant of Uncertain Significance.

Fulgent Genetics
Classification: Uncertain significance for Fanconi anemia complementation group A. Last evaluated: 2024-01-23. Review status: criteria provided, single submitter. Criteria: ACMG Guidelines, 2015. Collection method: clinical testing. Allele origin: germline.

NM_000135.4(FANCA):c.2800C>T (p.His934Tyr)

Gene: FANCA (FA complementation group A; minus strand). Cytogenetic location: 16q24.3.
Variant type: single nucleotide variant.
Coding change: c.2800C>T on transcript NM_000135.4 (MANE Select); coding-DNA position 2800, C replaced by T.
Protein change: p.His934Tyr; replaces histidine 934 with tyrosine.
Molecular consequence: missense variant.
Genome position (GRCh38, 1-based): chr16:89,762,001, G>A on the plus strand (C>T on the coding strand, the complement: FANCA is on the minus strand). VCF-style: chr16-89762001-G-A. GRCh37 (hg19) VCF-style: chr16-89828409-G-A.
Other names: c.2800C>T, p.His934Tyr (NM_001286167.3); short protein forms H934Y.
Identifiers: ClinVar variation 3581491 (VCV003581491.2).